The following is an entry in ClinVar:

NM_182972.3(IRF2BP2):c.866A>G (p.Lys289Arg)

Gene: IRF2BP2 (interferon regulatory factor 2 binding protein 2; minus strand). Cytogenetic location: 1q42.3.
Variant type: single nucleotide variant.
Coding change: c.866A>G on transcript NM_182972.3 (MANE Select); coding-DNA position 866, A replaced by G.
Protein change: p.Lys289Arg; replaces lysine 289 with arginine.
Molecular consequence: missense variant.
Genome position (GRCh38, 1-based): chr1:234,608,629, T>C on the plus strand (A>G on the coding strand, the complement: IRF2BP2 is on the minus strand). VCF-style: chr1-234608629-T-C. GRCh37 (hg19) VCF-style: chr1-234744375-T-C.
Other names: c.866A>G, p.Lys289Arg (NM_001077397.1); short protein forms K289R.
Identifiers: ClinVar variation 1937110 (VCV001937110.5), dbSNP rs1295624152, ClinGen allele CA345307793.
Genomic context (GRCh38, chr1:234,608,629, plus strand): 5'-AGCGTGTCGCGCACGGTCTTGGGCCTGTTGACCCAGTCCTGCTCTCCAGACCCGCGGCTC[T>C]TGCCCGCACCTTCCGCGCTCAGCTCGGCGGCCCCGGCCGCGGTGGACAGGCTGTCGGCCG-3'
Protein context (NP_892017.2, residues 279-299): AAELSAEGAG[Lys289Arg]SRGSGEQDWV

ClinVar aggregate classification (germline): Uncertain significance (1 of 4 stars; one submission).

Allele frequency attached by ClinVar (database versions not stated): gnomAD exomes below 0.00001; TOPMed below 0.00001.
gnomAD v4.1: 2 of 1,562,994 alleles (0.00013%); highest among the groups gnomAD compares: South Asian, 0.0012%; no homozygotes.

Submission:

Labcorp Genetics (formerly Invitae), Labcorp
Classification: Uncertain significance. Last evaluated: 2024-10-07. Review status: criteria provided, single submitter. Criteria: Invitae Variant Classification Sherloc (09022015). Collection method: clinical testing. Allele origin: germline.
Comment: This sequence change replaces lysine, which is basic and polar, with arginine, which is basic and polar, at codon 289 of the IRF2BP2 protein (p.Lys289Arg). This variant is not present in population databases (gnomAD no frequency). This variant has not been reported in the literature in individuals affected with IRF2BP2-related conditions. ClinVar contains an entry for this variant (Variation ID: 1937110). An algorithm developed to predict the effect of missense changes on protein structure and function (PolyPhen-2) suggests that this variant is likely to be disruptive. In summary, the available evidence is currently insufficient to determine the role of this variant in disease. Therefore, it has been classified as a Variant of Uncertain Significance.